The following is an entry in ClinVar:

NM_020884.7(MYH7B):c.3256A>T (p.Lys1086Ter)

Gene: MYH7B (myosin heavy chain 7B; plus strand). Cytogenetic location: 20q11.22.
Variant type: single nucleotide variant.
Coding change: c.3256A>T on transcript NM_020884.7 (MANE Select); coding-DNA position 3256, A replaced by T.
Protein change: p.Lys1086Ter; replaces lysine 1086 with a stop codon.
Molecular consequence: nonsense.
Genome position (GRCh38, 1-based): chr20:34,996,748, A>T. VCF-style: chr20-34996748-A-T. GRCh37 (hg19) VCF-style: chr20-33584551-A-T.
Other names: short protein forms K1086*.
Identifiers: ClinVar variation 4774244 (VCV004774244.1).

ClinVar aggregate classification (germline): Uncertain significance (1 of 4 stars; one submission).

gnomAD v4.1: 11 of 1,611,182 alleles (0.00068%); highest among the groups gnomAD compares: Non-Finnish European, 0.00093%; no homozygotes.

Submission:

Labcorp Genetics (formerly Invitae), Labcorp
Classification: Uncertain significance. Last evaluated: 2025-09-28. Review status: criteria provided, single submitter. Criteria: Invitae Variant Classification Sherloc (09022015). Collection method: clinical testing. Allele origin: germline.
Comment: This sequence change creates a premature translational stop signal (p.Lys1128*) in the MYH7B gene. It is expected to result in an absent or disrupted protein product. However, the current clinical and genetic evidence is not sufficient to establish whether loss-of-function variants in MYH7B cause disease. This variant is not present in population databases (gnomAD no frequency). This variant has not been reported in the literature in individuals affected with MYH7B-related conditions. In summary, the available evidence is currently insufficient to determine the role of this variant in disease. Therefore, it has been classified as a Variant of Uncertain Significance.